The following is an entry in ClinVar:

ClinVar aggregate classification (germline): Uncertain significance. Review status: criteria provided, multiple submitters, no conflicts (2 of 4 stars). 5 submissions from 5 submitters: Uncertain significance (4). 1 of the submissions does not count toward it. Last evaluated 2024-07-30.

Conditions:
Fanconi anemia complementation group O. Also called: RAD51C-Related Fanconi Anemia. Identifiers: Orphanet 84, MedGen C3150653, MONDO:0013248, OMIM 613390.
Hereditary cancer-predisposing syndrome. Also called: Tumor predisposition; Hereditary Cancer Syndrome; Neoplastic Syndromes, Hereditary; Hereditary neoplastic syndrome. Identifiers: Orphanet 140162, MedGen C0027672, MeSH D009386, MONDO:0015356.

Submissions (5):

Color Diagnostics, LLC DBA Color Health
Classification: Uncertain significance for Hereditary cancer-predisposing syndrome. Last evaluated: 2024-07-30. Review status: criteria provided, single submitter. Criteria: ACMG Guidelines, 2015. Collection method: clinical testing. Allele origin: germline.
Comment: This missense variant replaces glycine with arginine at codon 113 of the RAD51C protein. Computational prediction suggests that this variant may have deleterious impact on protein structure and function. To our knowledge, functional studies have not been reported for this variant. This variant has not been reported in individuals affected with RAD51C-related disorders in the literature. This variant has not been identified in the general population by the Genome Aggregation Database (gnomAD). The available evidence is insufficient to determine the role of this variant in disease conclusively. Therefore, this variant is classified as a Variant of Uncertain Significance.

Labcorp Genetics (formerly Invitae), Labcorp
Classification: Uncertain significance for Fanconi anemia complementation group O. Last evaluated: 2024-03-14. Review status: criteria provided, single submitter. Criteria: Invitae Variant Classification Sherloc (09022015). Collection method: clinical testing. Allele origin: germline.
Comment: This sequence change replaces glycine, which is neutral and non-polar, with arginine, which is basic and polar, at codon 113 of the RAD51C protein (p.Gly113Arg). This variant is not present in population databases (gnomAD no frequency). This variant has not been reported in the literature in individuals affected with RAD51C-related conditions. ClinVar contains an entry for this variant (Variation ID: 862515). Advanced modeling of protein sequence and biophysical properties (such as structural, functional, and spatial information, amino acid conservation, physicochemical variation, residue mobility, and thermodynamic stability) performed at Invitae indicates that this missense variant is expected to disrupt RAD51C protein function with a positive predictive value of 80%. In summary, the available evidence is currently insufficient to determine the role of this variant in disease. Therefore, it has been classified as a Variant of Uncertain Significance.

Ambry Genetics
Classification: Uncertain significance for Hereditary cancer-predisposing syndrome. Last evaluated: 2024-01-19. Review status: criteria provided, single submitter. Criteria: Ambry Variant Classification Scheme 2023. Collection method: clinical testing. Allele origin: germline.
Comment: The p.G113R variant (also known as c.337G>C), located in coding exon 2 of the RAD51C gene, results from a G to C substitution at nucleotide position 337. The glycine at codon 113 is replaced by arginine, an amino acid with dissimilar properties. This amino acid position is conserved. In addition, this alteration is predicted to be deleterious by in silico analysis. Since supporting evidence is limited at this time, the clinical significance of this alteration remains unclear.

GeneDx
Classification: Uncertain significance. Last evaluated: 2022-05-19. Review status: criteria provided, single submitter. Criteria: GeneDx Variant Classification Process June 2021. Collection method: clinical testing. Allele origin: germline. Affected: yes.
Comment: Not observed at significant frequency in large population cohorts (gnomAD); In silico analysis supports that this missense variant has a deleterious effect on protein structure/function; Has not been previously published as pathogenic or benign to our knowledge; This variant is associated with the following publications: (PMID: 14704354)

Genetic Services Laboratory, University of Chicago
Classification: Uncertain significance. Last evaluated: 2022-08-30. Review status: no assertion criteria provided. Collection method: clinical testing. Allele origin: germline. Affected: no. Not counted in ClinVar's aggregate classification.
Comment: DNA sequence analysis of the RAD51C gene demonstrated a sequence change, c.337G>C, in exon 2 that results in an amino acid change, p.Gly113Arg. This sequence change does not appear to have been previously described in individuals with RAD51C-related disorders and has also not been described in population databases such as ExAC and gnomAD. The p.Gly113Arg change affects highly conserved amino acid residue located in a domain of the RAD51C protein that is known to be functional. The p.Gly113Arg substitution appears to be deleterious using several in-silico pathogenicity prediction tools (SIFT, PolyPhen2, Align GVGD, REVEL). Due to insufficient evidences and the lack of functional studies, the clinical significance of the p.Gly113Arg change remains unknown at this time.

NM_058216.3(RAD51C):c.337G>C (p.Gly113Arg)

Gene: RAD51C (RAD51 paralog C; plus strand). Cytogenetic location: 17q22.
Variant type: single nucleotide variant.
Coding change: c.337G>C on transcript NM_058216.3 (MANE Select); coding-DNA position 337, G replaced by C.
Protein change: p.Gly113Arg; replaces glycine 113 with arginine.
Molecular consequence: missense variant. On other transcripts: non-coding transcript variant (2).
Genome position (GRCh38, 1-based): chr17:58,695,122, G>C. VCF-style: chr17-58695122-G-C. GRCh37 (hg19) VCF-style: chr17-56772483-G-C.
Other names: c.337G>C, p.Gly113Arg (NM_002876.4); short protein forms G113R.
Identifiers: ClinVar variation 862515 (VCV000862515.15), dbSNP rs2047954842, ClinGen allele CA400341397.
Genomic context (GRCh38, chr17:58,695,122, plus strand): 5'-CAGGAGCATACCCAGGGCTTCATAATCACCTTCTGTTCAGCACTAGATGATATTCTTGGG[G>C]GTGGAGTGCCCTTAATGAAAACAACAGAAATTTGTGGTGCACCAGGTGTTGGAAAAACAC-3'
Protein context (NP_478123.1, residues 103-123): FCSALDDILG[Gly113Arg]GVPLMKTTEI